The following is an entry in ClinVar:

NM_025114.4(CEP290):c.1676T>C (p.Met559Thr)

Gene: CEP290 (centrosomal protein 290; minus strand). Cytogenetic location: 12q21.32.
Variant type: single nucleotide variant.
Coding change: c.1676T>C on transcript NM_025114.4 (MANE Select); coding-DNA position 1676, T replaced by C.
Protein change: p.Met559Thr; replaces methionine 559 with threonine.
Molecular consequence: missense variant.
Genome position (GRCh38, 1-based): chr12:88,118,518, A>G on the plus strand (T>C on the coding strand, the complement: CEP290 is on the minus strand). VCF-style: chr12-88118518-A-G. GRCh37 (hg19) VCF-style: chr12-88512295-A-G.
Other names: c.1676T>C (NM_025114.3); short protein forms M559T.
Identifiers: ClinVar variation 2439911 (VCV002439911.4), dbSNP rs367816078, ClinGen allele CA241150967.

ClinVar aggregate classification (germline): Uncertain significance. Review status: criteria provided, multiple submitters, no conflicts (2 of 4 stars). 2 submissions from 2 submitters: Uncertain significance (2). Last evaluated 2025-10-23.

Conditions:
CEP290-related disorder. Also called: CEP290-related disorders; CEP290-related condition. Identifiers: MedGen CN239314.

Allele frequency attached by ClinVar (database versions not stated): TOPMed 0.00002; ESP Exome Variant Server 0.00009.

Submissions (2):

PreventionGenetics, part of Exact Sciences
Classification: Uncertain significance for CEP290-related condition. Last evaluated: 2025-10-23. Review status: criteria provided, single submitter. Criteria: ACMG Guidelines, 2015. Collection method: clinical testing. Allele origin: germline.
Comment: The CEP290 c.1676T>C variant is predicted to result in the amino acid substitution p.Met559Thr. To our knowledge, this variant has not been reported in the literature or in a large population database (gnomAD), indicating this variant is rare. At this time, the clinical significance of this variant is uncertain due to the absence of conclusive functional and genetic evidence.

Revvity Omics, Revvity
Classification: Uncertain significance. Last evaluated: 2021-09-16. Review status: criteria provided, single submitter. Criteria: ACMG Guidelines, 2015. Collection method: clinical testing. Allele origin: germline.